The following is an entry in ClinVar:

NM_001014447.3(CPZ):c.56G>C (p.Arg19Pro)

Gene: CPZ (carboxypeptidase Z; plus strand). Cytogenetic location: 4p16.1.
Variant type: single nucleotide variant.
Coding change: c.56G>C on transcript NM_001014447.3 (MANE Select); coding-DNA position 56, G replaced by C.
Protein change: p.Arg19Pro; replaces arginine 19 with proline.
Molecular consequence: missense variant. On other transcripts: 5 prime UTR variant (1).
Genome position (GRCh38, 1-based): chr4:8,592,889, G>C. VCF-style: chr4-8592889-G-C. GRCh37 (hg19) VCF-style: chr4-8594616-G-C.
Other names: c.-619G>C (NM_001014448.3); c.56G>C, p.Arg19Pro (NM_003652.4); short protein forms R19P.
Identifiers: ClinVar variation 3056352 (VCV003056352.2), dbSNP rs79736750, ClinGen allele CA2852961.

ClinVar aggregate classification (germline): Benign (0 of 4 stars; one submission).

Conditions:
CPZ-related disorder. Also called: CPZ-related condition.

Allele frequency attached by ClinVar (database versions not stated): 1000 Genomes Project 30x 0.09182; 1000 Genomes Project 0.09724; ESP Exome Variant Server 0.11316; TOPMed 0.12308.
gnomAD v4.1: 274,965 of 1,531,574 alleles (18%); highest among the groups gnomAD compares: Non-Finnish European, 20%; 26,708 homozygotes.

Submission:

PreventionGenetics, part of Exact Sciences
Classification: Benign for CPZ-related condition. Last evaluated: 2019-11-25. Review status: no assertion criteria provided. Collection method: clinical testing. Allele origin: germline.
Comment: This variant is classified as benign based on ACMG/AMP sequence variant interpretation guidelines (Richards et al. 2015 PMID: 25741868, with internal and published modifications).